The following is an entry in ClinVar:

ClinVar aggregate classification (germline): Likely pathogenic (1 of 4 stars; one submission).

Conditions:
Cataract 2, multiple types (CTRCT2). Also called: CATARACT 2, NUCLEAR; CATARACT 2, ZONULAR PULVERULENT; CATARACT 2, MULTIPLE TYPES, WITH OR WITHOUT MICROCORNEA; CATARACT 2, NUCLEAR, WITH MICROCORNEA. Identifiers: Orphanet 91492, MedGen C4721890, MONDO:0100436, OMIM 604307.

Submission:

Dept. Genetics and Cancer, Menzies Institute for Medical Research, University of Tasmania
Classification: Likely pathogenic for Cataract 2, multiple types. Last evaluated: 2024-09-12. Review status: criteria provided, single submitter. Criteria: ACMG Guidelines, 2015. Collection method: research. Allele origin: germline. Affected: yes. Observed: 1 variant allele.
Comment: CRYGC NM_020989.4:c.337C>T p.(Gln113*) ACMG-AMP criteria: PM2_Supp, PS4_Supp, PVS1_Strong. Absent from population databases (gnomad v4.0), Reported in multiple unrelated probands (PMID:27307692 and this study), Nonsense variant not predicted to undergo NMD in region critical to protein function (Greek key motif) and removes >10% of the protein.

NM_020989.4(CRYGC):c.337C>T (p.Gln113Ter)

Genes: CRYGC (crystallin gamma C; minus strand), LOC100507443 (uncharacterized LOC100507443; plus strand). Cytogenetic location: 2q33.3.
Variant type: single nucleotide variant.
Coding change: c.337C>T on transcript NM_020989.4 (MANE Select); coding-DNA position 337, C replaced by T.
Protein change: p.Gln113Ter; replaces glutamine 113 with a stop codon.
Molecular consequence: nonsense.
Genome position (GRCh38, 1-based): chr2:208,128,391, G>A on the plus strand (C>T on the coding strand, the complement: CRYGC is on the minus strand). VCF-style: chr2-208128391-G-A. GRCh37 (hg19) VCF-style: chr2-208993115-G-A.
Other names: short protein forms Q113*.
Identifiers: ClinVar variation 3253735 (VCV003253735.2).